The following is an entry in ClinVar:

NM_022041.4(GAN):c.1783C>T (p.His595Tyr)

Gene: GAN (gigaxonin; plus strand). Cytogenetic location: 16q23.2.
Variant type: single nucleotide variant.
Coding change: c.1783C>T on transcript NM_022041.4 (MANE Select); coding-DNA position 1783, C replaced by T.
Protein change: p.His595Tyr; replaces histidine 595 with tyrosine.
Molecular consequence: missense variant.
Genome position (GRCh38, 1-based): chr16:81,377,585, C>T. VCF-style: chr16-81377585-C-T. GRCh37 (hg19) VCF-style: chr16-81411190-C-T.
Other names: c.1144C>T, p.His382Tyr (NM_001377486.1); short protein forms H595Y, H382Y.
Identifiers: ClinVar variation 580048 (VCV000580048.9), dbSNP rs757216350, ClinGen allele CA8191885.

ClinVar aggregate classification (germline): Uncertain significance. Review status: criteria provided, multiple submitters, no conflicts (2 of 4 stars). 2 submissions from 2 submitters: Uncertain significance (2). Last evaluated 2021-09-01.

Conditions:
Giant axonal neuropathy 1 (GAN1). Also called: GIANT AXONAL NEUROPATHY 1, AUTOSOMAL RECESSIVE; GAN-Related Neurodegeneration. Identifiers: Orphanet 643, MedGen C1850386, MONDO:0009749, OMIM 256850.

Allele frequency attached by ClinVar (database versions not stated): gnomAD exomes below 0.00001; ExAC 0.00001; TOPMed 0.00001.
gnomAD v4.1: 3 of 1,614,086 alleles (0.00019%); highest among the groups gnomAD compares: East Asian, 0.0022%; no homozygotes.

Submissions (2):

Labcorp Genetics (formerly Invitae), Labcorp
Classification: Uncertain significance for Giant axonal neuropathy 1. Last evaluated: 2021-09-01. Review status: criteria provided, single submitter. Criteria: Invitae Variant Classification Sherloc (09022015). Collection method: clinical testing. Allele origin: germline.
Comment: This sequence change replaces histidine with tyrosine at codon 595 of the GAN protein (p.His595Tyr). The histidine residue is weakly conserved and there is a moderate physicochemical difference between histidine and tyrosine. This variant is present in population databases (rs757216350, ExAC 0.01%). This variant has not been reported in the literature in individuals affected with GAN-related conditions. Algorithms developed to predict the effect of missense changes on protein structure and function (SIFT, PolyPhen-2, Align-GVGD) all suggest that this variant is likely to be tolerated. In summary, the available evidence is currently insufficient to determine the role of this variant in disease. Therefore, it has been classified as a Variant of Uncertain Significance.

Illumina Laboratory Services, Illumina
Classification: Uncertain significance for Giant axonal neuropathy 1. Last evaluated: 2018-01-12. Review status: criteria provided, single submitter. Criteria: ICSL Variant Classification Criteria 13 December 2019. Collection method: clinical testing. Allele origin: germline.